The following is an entry in ClinVar:

ClinVar aggregate classification (germline): Benign/Likely benign. Review status: criteria provided, multiple submitters, no conflicts (2 of 4 stars). 3 submissions from 3 submitters: Benign (1); Likely benign (2). Last evaluated 2025-07-29.

Conditions:
Familial thoracic aortic aneurysm and aortic dissection (TAAD). Also called: Thoracic aortic aneurysms and dissections. Identifiers: Orphanet 91387, MedGen C4707243, MONDO:0019625.
Aortic aneurysm, familial thoracic 7 (AAT7). Also called: AORTIC DISSECTION, FAMILIAL, WITH OR WITHOUT AORTIC ANEURYSM. Identifiers: MedGen C3151077, MONDO:0013418, OMIM 613780.

Allele frequency attached by ClinVar (database versions not stated): gnomAD 0.00003; TOPMed 0.00003; gnomAD exomes 0.00006; ExAC 0.00007; 1000 Genomes Project 30x 0.00016; 1000 Genomes Project 0.00020.
gnomAD v4.1: 42 of 1,614,146 alleles (0.0026%); highest among the groups gnomAD compares: Admixed American, 0.025%; no homozygotes.

Submissions (3):

Labcorp Genetics (formerly Invitae), Labcorp
Classification: Likely benign for Aortic aneurysm, familial thoracic 7. Last evaluated: 2025-07-29. Review status: criteria provided, single submitter. Criteria: Invitae Variant Classification Sherloc (09022015). Collection method: clinical testing. Allele origin: germline.

Women's Health and Genetics/Laboratory Corporation of America, LabCorp
Classification: Benign. Last evaluated: 2025-04-04. Review status: criteria provided, single submitter. Criteria: LabCorp Variant Classification Summary - May 2015. Collection method: clinical testing. Allele origin: germline.
Comment: Variant summary: MYLK c.5280T>G alters a conserved nucleotide resulting in a synonymous change. Consensus agreement among computation tools predict no significant impact on normal splicing. However, these predictions have yet to be confirmed by functional studies. The variant allele was found at a frequency of 6.4e-05 in 251480 control chromosomes. The observed variant frequency is approximately 25.45 fold of the estimated maximal expected allele frequency for a pathogenic variant in MYLK causing Aortopathy phenotype (2.5e-06). To our knowledge, no occurrence of c.5280T>G in individuals affected with Aortopathy and no experimental evidence demonstrating its impact on protein function have been reported. ClinVar contains an entry for this variant (Variation ID: 700268). Based on the evidence outlined above, the variant was classified as benign.

Ambry Genetics
Classification: Likely benign for Familial thoracic aortic aneurysm and aortic dissection. Last evaluated: 2022-07-17. Review status: criteria provided, single submitter. Criteria: Ambry Variant Classification Scheme 2023. Collection method: clinical testing. Allele origin: germline.

NM_053025.4(MYLK):c.5280T>G (p.Ser1760=)

Genes: MYLK-AS1 (MYLK antisense RNA 1; plus strand), MYLK (myosin light chain kinase; minus strand). Cytogenetic location: 3q21.1.
Variant type: single nucleotide variant.
Coding change: c.5280T>G on transcript NM_053025.4 (MANE Select); coding-DNA position 5280, T replaced by G.
Protein change: p.Ser1760=; no amino-acid change (serine 1760 retained).
Molecular consequence: synonymous variant. On other transcripts: 5 prime UTR variant (2).
Genome position (GRCh38, 1-based): chr3:123,620,295, A>C on the plus strand (T>G on the coding strand, the complement: MYLK is on the minus strand). VCF-style: chr3-123620295-A-C. GRCh37 (hg19) VCF-style: chr3-123339142-A-C.
Other names: c.4752T>G, p.Ser1584= (NM_001321309.2); c.5073T>G, p.Ser1691= (NM_053026.4); c.5127T>G, p.Ser1709= (NM_053027.4); c.4920T>G, p.Ser1640= (NM_053028.4); c.-1T>G (NM_053031.4, NM_053032.4).
Identifiers: ClinVar variation 700268 (VCV000700268.12), dbSNP rs547331411, ClinGen allele CA072756.